The following is an entry in ClinVar:

NM_001148.6(ANK2):c.1642G>A (p.Val548Ile)

Gene: ANK2 (ankyrin 2; plus strand). Cytogenetic location: 4q26.
Variant type: single nucleotide variant.
Coding change: c.1642G>A on transcript NM_001148.6 (MANE Select); coding-DNA position 1642, G replaced by A.
Protein change: p.Val548Ile; replaces valine 548 with isoleucine.
Molecular consequence: missense variant.
Genome position (GRCh38, 1-based): chr4:113,274,608, G>A. VCF-style: chr4-113274608-G-A. GRCh37 (hg19) VCF-style: chr4-114195764-G-A.
Other names: c.1579G>A, p.Val527Ile (NM_001127493.3, NM_001354239.2, NM_001354243.2 and 14 more transcripts); c.1642G>A, p.Val548Ile (NM_001354225.2, NM_001354228.2, NM_001354232.2 and 8 more transcripts); c.1687G>A, p.Val563Ile (NM_001354230.2, NM_001354231.2, NM_001354237.2 and 5 more transcripts); c.1555G>A, p.Val519Ile (NM_001354249.2, NM_001354260.2, NM_001354264.2 and 13 more transcripts); c.1600G>A, p.Val534Ile (NM_001354261.2, NM_001386147.1, NM_001386160.1); c.1432G>A, p.Val478Ile (NM_001354269.3); c.1444G>A, p.Val482Ile (NM_001354273.2); c.1357G>A, p.Val453Ile (NM_001354277.2, NM_001386157.1, NM_001386158.1); and 4 more; short protein forms V453I, V534I, V544I, V478I, V519I, V536I, V548I, V482I.
Identifiers: ClinVar variation 5008306 (VCV005008306.1).

ClinVar aggregate classification (germline): Uncertain significance (1 of 4 stars; one submission).

Submission:

GeneDx
Classification: Uncertain significance. Last evaluated: 2026-03-01. Review status: criteria provided, single submitter. Criteria: GeneDx Variant Classification Process June 2021. Collection method: clinical testing. Allele origin: germline.
Comment: Not observed at significant frequency in large population cohorts (gnomAD); In silico analysis suggests that this missense variant does not alter protein structure/function; Has not been previously published as pathogenic or benign to our knowledge